The following is an entry in ClinVar:

NM_005245.4(FAT1):c.6787G>T (p.Ala2263Ser)

Gene: FAT1 (FAT atypical cadherin 1; minus strand). Cytogenetic location: 4q35.2.
Variant type: single nucleotide variant.
Coding change: c.6787G>T on transcript NM_005245.4 (MANE Select); coding-DNA position 6787, G replaced by T.
Protein change: p.Ala2263Ser; replaces alanine 2263 with serine.
Molecular consequence: missense variant.
Genome position (GRCh38, 1-based): chr4:186,619,799, C>A on the plus strand (G>T on the coding strand, the complement: FAT1 is on the minus strand). VCF-style: chr4-186619799-C-A. GRCh37 (hg19) VCF-style: chr4-187540953-C-A.
Other names: short protein forms A2263S.
Identifiers: ClinVar variation 2069892 (VCV002069892.4), dbSNP rs750839835, ClinGen allele CA358967403.

ClinVar aggregate classification (germline): Uncertain significance (1 of 4 stars; one submission).

Submission:

Labcorp Genetics (formerly Invitae), Labcorp
Classification: Uncertain significance. Last evaluated: 2023-11-27. Review status: criteria provided, single submitter. Criteria: Invitae Variant Classification Sherloc (09022015). Collection method: clinical testing. Allele origin: germline.
Comment: This sequence change replaces alanine, which is neutral and non-polar, with serine, which is neutral and polar, at codon 2263 of the FAT1 protein (p.Ala2263Ser). This variant is not present in population databases (gnomAD no frequency). This variant has not been reported in the literature in individuals affected with FAT1-related conditions. ClinVar contains an entry for this variant (Variation ID: 2069892). Advanced modeling of protein sequence and biophysical properties (such as structural, functional, and spatial information, amino acid conservation, physicochemical variation, residue mobility, and thermodynamic stability) performed at Invitae indicates that this missense variant is not expected to disrupt FAT1 protein function with a negative predictive value of 80%. In summary, the available evidence is currently insufficient to determine the role of this variant in disease. Therefore, it has been classified as a Variant of Uncertain Significance.